The following is an entry in ClinVar:

NM_006080.3(SEMA3A):c.868C>T (p.Arg290Cys)

Gene: SEMA3A (semaphorin 3A; minus strand). Cytogenetic location: 7q21.11.
Variant type: single nucleotide variant.
Coding change: c.868C>T on transcript NM_006080.3 (MANE Select); coding-DNA position 868, C replaced by T.
Protein change: p.Arg290Cys; replaces arginine 290 with cysteine.
Molecular consequence: missense variant.
Genome position (GRCh38, 1-based): chr7:84,011,240, G>A on the plus strand (C>T on the coding strand, the complement: SEMA3A is on the minus strand). VCF-style: chr7-84011240-G-A. GRCh37 (hg19) VCF-style: chr7-83640556-G-A.
Other names: short protein forms R290C.
Identifiers: ClinVar variation 4985475 (VCV004985475.1).

ClinVar aggregate classification (germline): Uncertain significance (1 of 4 stars; one submission).

Conditions:
SEMA3A-related disorder. Also called: SEMA3A-related condition.

gnomAD v4.1: 20 of 1,613,854 alleles (0.0012%); highest among the groups gnomAD compares: Non-Finnish European, 0.0017%; no homozygotes.

Submission:

PreventionGenetics, part of Exact Sciences
Classification: Uncertain significance for SEMA3A-related condition. Last evaluated: 2025-07-30. Review status: criteria provided, single submitter. Criteria: ACMG Guidelines, 2015. Collection method: clinical testing. Allele origin: germline.
Comment: The SEMA3A c.868C>T variant is predicted to result in the amino acid substitution p.Arg290Cys. To our knowledge, this variant has not been reported in the literature. An alternate missense change at the same amino acid position has been reported in a patient with hypogonadotropic hypogonadism (Kallman Syndrome), yet minimal additional evidence supported its pathogenicity (Zhou et al. 2018. PubMed ID: 30098700). This variant is reported in 0.0018% of alleles in individuals of European (Non-Finnish) descent in gnomAD. At this time, the clinical significance of this variant is uncertain due to the absence of conclusive functional and genetic evidence.